The following is an entry in ClinVar:

NM_199420.4(POLQ):c.3439A>C (p.Thr1147Pro)

Gene: POLQ (DNA polymerase theta; minus strand). Cytogenetic location: 3q13.33.
Variant type: single nucleotide variant.
Coding change: c.3439A>C on transcript NM_199420.4 (MANE Select); coding-DNA position 3439, A replaced by C.
Protein change: p.Thr1147Pro; replaces threonine 1147 with proline.
Molecular consequence: missense variant.
Genome position (GRCh38, 1-based): chr3:121,489,492, T>G on the plus strand (A>C on the coding strand, the complement: POLQ is on the minus strand). VCF-style: chr3-121489492-T-G. GRCh37 (hg19) VCF-style: chr3-121208339-T-G.
Other names: short protein forms T1147P.
Identifiers: ClinVar variation 1731434 (VCV001731434.2), dbSNP rs2546787394, ClinGen allele CA354100064.

ClinVar aggregate classification (germline): Uncertain significance (1 of 4 stars; one submission).

Submission:

Ambry Genetics
Classification: Uncertain significance. Last evaluated: 2021-06-21. Review status: criteria provided, single submitter. Criteria: Ambry Variant Classification Scheme 2023. Collection method: clinical testing. Allele origin: germline.
Comment: The p.T1147P variant (also known as c.3439A>C), located in coding exon 16 of the POLQ gene, results from an A to C substitution at nucleotide position 3439. The threonine at codon 1147 is replaced by proline, an amino acid with highly similar properties. This amino acid position is conserved. In addition, this alteration is predicted to be tolerated by in silico analysis. Since supporting evidence is limited at this time, the clinical significance of this alteration remains unclear.